The following is an entry in ClinVar:

ClinVar aggregate classification (germline): Conflicting classifications of pathogenicity. Review status: criteria provided, conflicting classifications (1 of 4 stars). 3 submissions from 3 submitters: Uncertain significance (1); Benign (1); Likely benign (1). Last evaluated 2025-02-07.

Conditions:
Cardiovascular phenotype. Identifiers: MedGen CN230736.
Brugada syndrome 7 (BRGDA7). Identifiers: Orphanet 130, MedGen C2751088, MONDO:0013146, OMIM 613120.

Allele frequency attached by ClinVar (database versions not stated): gnomAD 0.00003; TOPMed 0.00003; ESP Exome Variant Server 0.00008; gnomAD exomes 0.00008 and 0.00011; ExAC 0.00012.
gnomAD v4.1: 159 of 1,613,970 alleles (0.0099%); highest among the groups gnomAD compares: Non-Finnish European, 0.013%; no homozygotes.

Submissions (3):

Ambry Genetics
Classification: Benign for Cardiovascular phenotype. Last evaluated: 2025-02-07. Review status: criteria provided, single submitter. Criteria: Ambry Variant Classification Scheme 2023. Collection method: clinical testing. Allele origin: germline.

Blueprint Genetics
Classification: Likely benign. Last evaluated: 2024-06-12. Review status: criteria provided, single submitter. Criteria: ACMG Guidelines, 2015. Collection method: clinical testing. Allele origin: germline.

Labcorp Genetics (formerly Invitae), Labcorp
Classification: Uncertain significance for Brugada syndrome 7. Last evaluated: 2021-08-07. Review status: criteria provided, single submitter. Criteria: Invitae Variant Classification Sherloc (09022015). Collection method: clinical testing. Allele origin: germline.
Comment: This sequence change replaces arginine with tryptophan at codon 139 of the SCN3B protein (p.Arg139Trp). The arginine residue is moderately conserved and there is a moderate physicochemical difference between arginine and tryptophan. This variant is present in population databases (rs368054375, ExAC 0.02%), and has an allele count higher than expected for a pathogenic variant (PMID: 28166811). This variant has not been reported in the literature in individuals with SCN3B-related conditions. ClinVar contains an entry for this variant (Variation ID: 519233). Algorithms developed to predict the effect of missense changes on protein structure and function are either unavailable or do not agree on the potential impact of this missense change (SIFT: "Deleterious"; PolyPhen-2: "Possibly Damaging"; Align-GVGD: "Class C0"). In summary, the available evidence is currently insufficient to determine the role of this variant in disease. Therefore, it has been classified as a Variant of Uncertain Significance.

Literature cited by the submitters: PubMed 28166811 (cited by Labcorp Genetics (formerly Invitae), Labcorp).

NM_001040151.2(SCN3B):c.415C>T (p.Arg139Trp)

Gene: SCN3B (sodium voltage-gated channel beta subunit 3; minus strand). Cytogenetic location: 11q24.1.
Variant type: single nucleotide variant.
Coding change: c.415C>T on transcript NM_001040151.2 (MANE Select); coding-DNA position 415, C replaced by T.
Protein change: p.Arg139Trp; replaces arginine 139 with tryptophan.
Molecular consequence: missense variant.
Genome position (GRCh38, 1-based): chr11:123,642,476, G>A on the plus strand (C>T on the coding strand, the complement: SCN3B is on the minus strand). VCF-style: chr11-123642476-G-A. GRCh37 (hg19) VCF-style: chr11-123513184-G-A.
Other names: c.415C>T, p.Arg139Trp (NM_018400.4); short protein forms R139W.
Identifiers: ClinVar variation 519233 (VCV000519233.13), dbSNP rs368054375, ClinGen allele CA6334019.
Genomic context (GRCh38, chr11:123,642,476, plus strand): 5'-CGCCCTAGAGACCCTGTGCCTCAGCCTCACCCTCCTCGGTGACTCTTAGGGGGATCAGCC[G>A]CGTCGTCTTCACAAAGGGCCGATGCGCCTCAAACTCAAACTCCCGGGACACATTGCAGGT-3'
Protein context (NP_001035241.1, residues 129-149): EAHRPFVKTT[Arg139Trp]LIPLRVTEEA